The following is an entry in ClinVar:

NM_139318.5(KCNH5):c.1187T>C (p.Ile396Thr)

Gene: KCNH5 (potassium voltage-gated channel subfamily H member 5; minus strand). Cytogenetic location: 14q23.2.
Variant type: single nucleotide variant.
Coding change: c.1187T>C on transcript NM_139318.5 (MANE Select); coding-DNA position 1187, T replaced by C.
Protein change: p.Ile396Thr; replaces isoleucine 396 with threonine.
Molecular consequence: missense variant.
Genome position (GRCh38, 1-based): chr14:62,950,315, A>G on the plus strand (T>C on the coding strand, the complement: KCNH5 is on the minus strand). VCF-style: chr14-62950315-A-G. GRCh37 (hg19) VCF-style: chr14-63417033-A-G.
Other names: c.1187T>C, p.Ile396Thr (NM_172375.3); short protein forms I396T.
Identifiers: ClinVar variation 2918865 (VCV002918865.3), dbSNP rs369344820, ClinGen allele CA7217519.

ClinVar aggregate classification (germline): Uncertain significance (1 of 4 stars; one submission).

Conditions:
Early-infantile DEE. Also called: Early infantile epileptic encephalopathy; Early infantile epileptic encephalopathy with suppression bursts; Ohtahara syndrome. Identifiers: Orphanet 1934, MedGen C0393706, MONDO:0800491.

Allele frequency attached by ClinVar (database versions not stated): ExAC 0.00001; gnomAD exomes below 0.00001; gnomAD 0.00001; TOPMed 0.00001; ESP Exome Variant Server 0.00008.
gnomAD v4.1: 6 of 1,613,884 alleles (0.00037%); highest among the groups gnomAD compares: Middle Eastern, 0.016%; no homozygotes.

Submission:

Labcorp Genetics (formerly Invitae), Labcorp
Classification: Uncertain significance for Early-infantile DEE. Last evaluated: 2024-10-23. Review status: criteria provided, single submitter. Criteria: Invitae Variant Classification Sherloc (09022015). Collection method: clinical testing. Allele origin: germline.
Comment: This sequence change replaces isoleucine, which is neutral and non-polar, with threonine, which is neutral and polar, at codon 396 of the KCNH5 protein (p.Ile396Thr). This variant is present in population databases (rs369344820, gnomAD 0.007%). This variant has not been reported in the literature in individuals affected with KCNH5-related conditions. Invitae Evidence Modeling of protein sequence and biophysical properties (such as structural, functional, and spatial information, amino acid conservation, physicochemical variation, residue mobility, and thermodynamic stability) indicates that this missense variant is not expected to disrupt KCNH5 protein function with a negative predictive value of 95%. In summary, the available evidence is currently insufficient to determine the role of this variant in disease. Therefore, it has been classified as a Variant of Uncertain Significance.